The following is an entry in ClinVar:

ClinVar aggregate classification (germline): Uncertain significance (1 of 4 stars; one submission).

Conditions:
Atrial fibrillation, familial, 7 (ATFB7). Identifiers: MedGen C2677106, MONDO:0012828, OMIM 612240.

gnomAD v4.1: 1 of 1,613,260 alleles (0.000062%); highest among the groups gnomAD compares: Admixed American, 0.0017%; no homozygotes.

Submission:

Labcorp Genetics (formerly Invitae), Labcorp
Classification: Uncertain significance for Atrial fibrillation, familial, 7. Last evaluated: 2025-12-20. Review status: criteria provided, single submitter. Criteria: Invitae Variant Classification Sherloc (09022015). Collection method: clinical testing. Allele origin: germline.
Comment: This sequence change replaces aspartic acid, which is acidic and polar, with glutamic acid, which is acidic and polar, at codon 612 of the KCNA5 protein (p.Asp612Glu). This variant is present in population databases (no rsID available, gnomAD 0.003%). This variant has not been reported in the literature in individuals affected with KCNA5-related conditions. An algorithm developed to predict the effect of missense changes on protein structure and function (PolyPhen-2) suggests that this variant is likely to be disruptive. In summary, the available evidence is currently insufficient to determine the role of this variant in disease. Therefore, it has been classified as a Variant of Uncertain Significance.

NM_002234.4(KCNA5):c.1836T>A (p.Asp612Glu)

Gene: KCNA5 (potassium voltage-gated channel subfamily A member 5; plus strand). Cytogenetic location: 12p13.32.
Variant type: single nucleotide variant.
Coding change: c.1836T>A on transcript NM_002234.4 (MANE Select); coding-DNA position 1836, T replaced by A.
Protein change: p.Asp612Glu; replaces aspartic acid 612 with glutamic acid.
Molecular consequence: missense variant.
Genome position (GRCh38, 1-based): chr12:5,045,983, T>A. VCF-style: chr12-5045983-T-A. GRCh37 (hg19) VCF-style: chr12-5155149-T-A.
Other names: short protein forms D612E.
Identifiers: ClinVar variation 4693523 (VCV004693523.1).
Genomic context (GRCh38, chr12:5,045,983, plus strand): 5'-CAACGTGGACTTGCGGAGGTCCCTTTATGCCCTCTGCCTGGACACCAGCCGGGAAACAGA[T>A]TTGTGAAAGGAGATTCAGGCAGACTGGTGGCAGTGGAGTAGGGAATGGGAGGCTTGCTGA-3'
Protein context (NP_002225.2, residues 602-613): ALCLDTSRET[Asp612Glu]L